The following is an entry in ClinVar:

ClinVar aggregate classification (germline): Uncertain significance (1 of 4 stars; one submission).

gnomAD v4.1: 2 of 1,614,052 alleles (0.00012%); highest among the groups gnomAD compares: South Asian, 0.0022%; no homozygotes.

Submission:

GeneDx
Classification: Uncertain significance. Last evaluated: 2024-10-14. Review status: criteria provided, single submitter. Criteria: GeneDx Variant Classification Process June 2021. Collection method: clinical testing. Allele origin: germline. Affected: yes.
Comment: Not observed at significant frequency in large population cohorts (gnomAD); In silico analysis supports that this missense variant has a deleterious effect on protein structure/function; Has not been previously published as pathogenic or benign to our knowledge

NM_001256071.3(RNF213):c.13152A>C (p.Arg4384Ser)

Genes: RNF213-AS1 (RNF213 antisense RNA 1; minus strand), RNF213 (ring finger protein 213; plus strand). Cytogenetic location: 17q25.3.
Variant type: single nucleotide variant.
Coding change: c.13152A>C on transcript NM_001256071.3 (MANE Select); coding-DNA position 13152, A replaced by C.
Protein change: p.Arg4384Ser; replaces arginine 4384 with serine.
Molecular consequence: missense variant.
Genome position (GRCh38, 1-based): chr17:80,375,837, A>C. VCF-style: chr17-80375837-A-C. GRCh37 (hg19) VCF-style: chr17-78349637-A-C.
Other names: c.13299A>C, p.Arg4433Ser (NM_001410195.1, NM_020914.5); short protein forms R4384S, R4433S.
Identifiers: ClinVar variation 3777642 (VCV003777642.1).